The following is an entry in ClinVar:

NM_003190.5(TAPBP):c.94del (p.Asp32fs)

Gene: TAPBP (TAP binding protein; minus strand). Cytogenetic location: 6p21.32.
Variant type: Deletion.
Coding change: c.94del on transcript NM_003190.5 (MANE Select); coding-DNA position 94, one base deleted (G; older notation c.94delG).
Protein change: p.Asp32fs; shifts the reading frame from aspartic acid 32.
Molecular consequence: frameshift variant.
Genome position (GRCh38, 1-based): chr6:33,313,808, C deleted on the plus strand (G on the coding strand, the reverse complement: TAPBP is on the minus strand); the first of 2 consecutive C bases (chr6:33,313,808-33,313,809); deleting either gives the same sequence. VCF-style (leftmost placement, unchanged base first): chr6-33313807-TC-T. GRCh37 (hg19) VCF-style: chr6-33281584-TC-T.
Other names: c.93delG, p.Asp32Metfs (NM_001410875.1); c.94del, p.Asp32fs (NM_172208.3, NM_172209.3); short protein forms D32fs.
Identifiers: ClinVar variation 2201056 (VCV002201056.4), dbSNP rs775906895, ClinGen allele CA3755971.

ClinVar aggregate classification (germline): Uncertain significance (1 of 4 stars; one submission).

Conditions:
MHC class I deficiency. Identifiers: Orphanet 34592, MedGen C6024714, MONDO:0011476.

Submission:

Labcorp Genetics (formerly Invitae), Labcorp
Classification: Uncertain significance for MHC class I deficiency 1. Last evaluated: 2022-09-28. Review status: criteria provided, single submitter. Criteria: Invitae Variant Classification Sherloc (09022015). Collection method: clinical testing. Allele origin: germline.
Comment: This sequence change creates a premature translational stop signal (p.Asp32Metfs*62) in the TAPBP gene. It is expected to result in an absent or disrupted protein product. However, the current clinical and genetic evidence is not sufficient to establish whether loss-of-function variants in TAPBP cause disease. This variant is present in population databases (rs775906895, gnomAD 0.0009%). This variant has not been reported in the literature in individuals affected with TAPBP-related conditions. In summary, the available evidence is currently insufficient to determine the role of this variant in disease. Therefore, it has been classified as a Variant of Uncertain Significance.